The following is an entry in ClinVar:

ClinVar aggregate classification (germline): Uncertain significance (1 of 4 stars; one submission).

Conditions:
Amyotrophic lateral sclerosis type 6. Also called: FUS-Related Amyotrophic Laterial Sclerosis; AMYOTROPHIC LATERAL SCLEROSIS 6 WITHOUT FRONTOTEMPORAL DEMENTIA; Amyotrophic lateral sclerosis 6, with or without frontotemporal dementia. Identifiers: Orphanet 275872, Orphanet 803, MedGen C2931786, MONDO:0011951, OMIM 608030.
Tremor, hereditary essential, 4 (ETM4). Identifiers: MedGen C3539195, MONDO:0013888, OMIM 614782.

Allele frequency attached by ClinVar (database versions not stated): gnomAD 0.00001.
gnomAD v4.1: 1 of 1,614,040 alleles (0.000062%); highest among the groups gnomAD compares: Non-Finnish European, 0.000085%; no homozygotes.

Submission:

Labcorp Genetics (formerly Invitae), Labcorp
Classification: Uncertain significance for Tremor, hereditary essential, 4; Amyotrophic lateral sclerosis type 6. Last evaluated: 2023-07-27. Review status: criteria provided, single submitter. Criteria: Invitae Variant Classification Sherloc (09022015). Collection method: clinical testing. Allele origin: germline.
Comment: This sequence change falls in intron 4 of the FUS gene. It does not directly change the encoded amino acid sequence of the FUS protein. It affects a nucleotide within the consensus splice site. This variant is present in population databases (no rsID available, gnomAD no frequency). This variant has not been reported in the literature in individuals affected with FUS-related conditions. Variants that disrupt the consensus splice site are a relatively common cause of aberrant splicing (PMID: 17576681, 9536098). Algorithms developed to predict the effect of sequence changes on RNA splicing suggest that this variant is not likely to affect RNA splicing. In summary, the available evidence is currently insufficient to determine the role of this variant in disease. Therefore, it has been classified as a Variant of Uncertain Significance.

Literature cited by the submitters: PubMed 17576681; PubMed 9536098.

NM_004960.4(FUS):c.335+6G>C

Gene: FUS (FUS RNA binding protein; plus strand). Cytogenetic location: 16p11.2.
Variant type: single nucleotide variant.
Coding change: c.335+6G>C on transcript NM_004960.4 (MANE Select); 6 bases into the intron after coding-DNA position 335, G replaced by C.
Molecular consequence: intron variant.
Genome position (GRCh38, 1-based): chr16:31,184,008, G>C. VCF-style: chr16-31184008-G-C. GRCh37 (hg19) VCF-style: chr16-31195329-G-C.
Other names: c.335+6G>C (NM_001170937.1); c.332+6G>C (NM_001170634.1).
Identifiers: ClinVar variation 2934499 (VCV002934499.3), dbSNP rs1380009716, ClinGen allele CA622172813.
Genomic context (GRCh38, chr16:31,184,008, plus strand): 5'-AGTCCTCCTACCCTGGCTATGGCCAGCAGCCAGCTCCCAGCAGCACCTCGGGAAGGTACG[G>C]TGGTGTTGATGTCGGGGAAGGCTTGAAAAGAGGGGTGAATTGATGAGGAATGATAAAGGG-3'